The following is an entry in ClinVar:

ClinVar aggregate classification (germline): Pathogenic/Likely pathogenic. Review status: criteria provided, multiple submitters, no conflicts (2 of 4 stars). 2 submissions from 2 submitters: Pathogenic (1); Likely pathogenic (1). Last evaluated 2025-01-13.

Conditions:
Gaucher disease. Also called: Acute cerebral Gaucher disease; Cerebroside lipidosis syndrome; Gaucher splenomegaly; Sphingolipidosis 1; Glucocerebrosidosis; Glucosylceramidase deficiency. Identifiers: Orphanet 355, MedGen C0017205, MONDO:0018150.

Submissions (2):

Natera, Inc.
Classification: Likely pathogenic for Gaucher disease. Last evaluated: 2025-01-13. Review status: criteria provided, single submitter. Criteria: Natera Variant Classification Schema (03/2026). Collection method: clinical testing. Allele origin: germline.
Comment: The c.680A>T variant in GBA1 is a missense variant predicted to cause substitution of asparagine to isoleucine at amino acid 227. This variant is rare in the general population with a frequency below the threshold expected for the associated phenotype(s). This variant has been observed in one or more individuals affected with the associated recessive disease, as either homozygous or compound heterozygous with a second variant (PMID: 22133539, 24022302). Functional studies show that this variant may disrupt protein function (PMID: 24022302). A different variant at the same position has been determined to be Pathogenic or Likely Pathogenic. Computational prediction algorithms indicate this variant is likely to affect gene or protein function. Given the available evidence, this variant is classified as Likely Pathogenic.

Women's Health and Genetics/Laboratory Corporation of America, LabCorp
Classification: Pathogenic for Gaucher disease. Last evaluated: 2024-04-10. Review status: criteria provided, single submitter. Criteria: LabCorp Variant Classification Summary - May 2015. Collection method: clinical testing. Allele origin: germline.
Comment: Variant summary: GBA1 c.680A>T (p.Asn227Ile) results in a non-conservative amino acid change located in the Glycosyl hydrolase family 30, TIM-barrel domain (IPR033453) of the encoded protein sequence. Five of five in-silico tools predict a damaging effect of the variant on protein function. The variant was absent in 282542 control chromosomes (gnomAD). c.680A>T has been reported in the literature in a homozygous individual affected with Gaucher Disease (Mechtler_2012). Other missense variants that affect this amino acid have been classified as pathogenic, suggesting this is a critical residue. Publications report experimental evidence evaluating an impact on protein function, finding that the variant results in <10% of normal activity (Mechtler_2012, Malini_2014). No submitters have cited clinical-significance assessments for this variant to ClinVar. Based on the evidence outlined above, the variant was classified as pathogenic.

Literature cited by the submitters: PubMed 22133539 (cited by Natera, Inc. and Women's Health and Genetics/Laboratory Corporation of America, LabCorp); PubMed 24022302 (cited by Natera, Inc. and Women's Health and Genetics/Laboratory Corporation of America, LabCorp).

NM_000157.4(GBA1):c.680A>T (p.Asn227Ile)

Genes: GBA1 (glucosylceramidase beta 1; minus strand), LOC106627981 (GBA recombination region; plus strand). Cytogenetic location: 1q22.
Variant type: single nucleotide variant.
Coding change: c.680A>T on transcript NM_000157.4 (MANE Select); coding-DNA position 680, A replaced by T.
Protein change: p.Asn227Ile; replaces asparagine 227 with isoleucine.
Molecular consequence: missense variant.
Genome position (GRCh38, 1-based): chr1:155,238,215, T>A on the plus strand (A>T on the coding strand, the complement: GBA1 is on the minus strand). VCF-style: chr1-155238215-T-A. GRCh37 (hg19) VCF-style: chr1-155208006-T-A.
Other names: c.680A>T, p.Asn227Ile (NM_001005741.3, NM_001005742.3); c.419A>T, p.Asn140Ile (NM_001171811.2); c.533A>T, p.Asn178Ile (NM_001171812.2); c.680A>T (NM_000157.3); short protein forms N140I, N178I, N227I.
Identifiers: ClinVar variation 3251365 (VCV003251365.2), dbSNP rs364897.